The following is an entry in ClinVar:

ClinVar aggregate classification (germline): Pathogenic (1 of 4 stars; one submission).

Conditions:
Hereditary cancer-predisposing syndrome. Also called: Tumor predisposition; Hereditary neoplastic syndrome; Neoplastic Syndromes, Hereditary; Hereditary Cancer Syndrome. Identifiers: Orphanet 140162, MedGen C0027672, MeSH D009386, MONDO:0015356.

Submission:

Ambry Genetics
Classification: Pathogenic for Hereditary cancer-predisposing syndrome. Last evaluated: 2019-11-27. Review status: criteria provided, single submitter. Criteria: Ambry Variant Classification Scheme 2023. Collection method: clinical testing. Allele origin: germline.
Comment: The c.1476dupT pathogenic mutation, located in coding exon 9 of the ATM gene, results from a duplication of T at nucleotide position 1476, causing a translational frameshift with a predicted alternate stop codon (p.R493Sfs*6). This alteration is expected to result in loss of function by premature protein truncation or nonsense-mediated mRNA decay. As such, this alteration is interpreted as a disease-causing mutation.

NM_000051.4(ATM):c.1476dup (p.Arg493fs)

Gene: ATM (ATM serine/threonine kinase; plus strand). Cytogenetic location: 11q22.3.
Variant type: Duplication.
Coding change: c.1476dup on transcript NM_000051.4 (MANE Select); coding-DNA position 1476, one base duplicated (T; older notation c.1476dupT).
Protein change: p.Arg493fs; shifts the reading frame from arginine 493.
Molecular consequence: frameshift variant.
Genome position (GRCh38, 1-based): chr11:108,250,941, T duplicated; the last of 3 consecutive T bases (chr11:108,250,939-108,250,941); duplicating any one gives the same sequence. VCF-style (leftmost placement, unchanged base first): chr11-108250938-C-CT. GRCh37 (hg19) VCF-style: chr11-108121665-C-CT.
Other names: c.1476dup, p.Arg493fs (NM_001351834.2); short protein forms R493fs.
Identifiers: ClinVar variation 819288 (VCV000819288.4), dbSNP rs1565383194, ClinGen allele CA602127936.